The following is an entry in ClinVar:

NM_024570.4(RNASEH2B):c.455A>G (p.Asn152Ser)

Gene: RNASEH2B (ribonuclease H2 subunit B; plus strand). Cytogenetic location: 13q14.3.
Variant type: single nucleotide variant.
Coding change: c.455A>G on transcript NM_024570.4 (MANE Select); coding-DNA position 455, A replaced by G.
Protein change: p.Asn152Ser; replaces asparagine 152 with serine.
Molecular consequence: missense variant.
Genome position (GRCh38, 1-based): chr13:50,943,339, A>G. VCF-style: chr13-50943339-A-G. GRCh37 (hg19) VCF-style: chr13-51517475-A-G.
Other names: p.Asn152Ser; c.455A>G, p.Asn152Ser (NM_001142279.2); short protein forms N152S.
Identifiers: ClinVar variation 312330 (VCV000312330.64), dbSNP rs146451037, ClinGen allele CA6985586.

ClinVar aggregate classification (germline): Conflicting classifications of pathogenicity. Review status: criteria provided, conflicting classifications (1 of 4 stars). 12 submissions from 12 submitters: Uncertain significance (3); Benign (1); Likely benign (5). 3 of the submissions do not count toward it. Last evaluated 2026-01-28.

Conditions:
RNASEH2B-related disorder. Also called: RNASEH2B-related condition.
Aicardi-Goutieres syndrome 2. Identifiers: Orphanet 51, MedGen C3489724, MONDO:0012429, OMIM 610181.

Allele frequency attached by ClinVar (database versions not stated): gnomAD 0.00062 and 0.00063; TOPMed 0.00065; ESP Exome Variant Server 0.00069; gnomAD exomes 0.00075 and 0.00093; ExAC 0.00079.
gnomAD v4.1: 1,444 of 1,600,830 alleles (0.09%); highest among the groups gnomAD compares: Non-Finnish European, 0.1%; 2 homozygotes.

Submissions (12):

Labcorp Genetics (formerly Invitae), Labcorp
Classification: Likely benign for Aicardi-Goutieres syndrome 2. Last evaluated: 2026-01-28. Review status: criteria provided, single submitter. Criteria: Invitae Variant Classification Sherloc (09022015). Collection method: clinical testing. Allele origin: germline.

Women's Health and Genetics/Laboratory Corporation of America, LabCorp
Classification: Likely benign. Last evaluated: 2026-01-06. Review status: criteria provided, single submitter. Criteria: LabCorp Variant Classification Summary - May 2015. Collection method: clinical testing. Allele origin: germline.
Comment: Variant summary: RNASEH2B c.455A>G (p.Asn152Ser) results in a conservative amino acid change in the encoded protein sequence. Algorithms developed to predict the effect of missense changes on protein structure and function all suggest that this variant is likely to be tolerated. The variant allele was found at a frequency of 0.00075 in 250776 control chromosomes, predominantly at a frequency of 0.0036 within the Ashkenazi Jewish subpopulation in the gnomAD database. The observed variant frequency within Ashkenazi Jewish control individuals in the gnomAD database exceeds the estimated maximal expected allele frequency for disease-causing variants in RNASEH2B. To our knowledge, no occurrence of c.455A>G in individuals affected with RNASEH2B-related conditions and no experimental evidence demonstrating its impact on protein function have been reported. ClinVar contains an entry for this variant (Variation ID: 312330). Based on the evidence outlined above, the variant was classified as likely benign.

Mayo Clinic Laboratories, Mayo Clinic
Classification: Likely benign. Last evaluated: 2025-10-17. Review status: criteria provided, single submitter. Criteria: ACMG Guidelines, 2015. Collection method: clinical testing. Allele origin: germline. Observed: 3 variant alleles.
Comment: BS1, BP4

PreventionGenetics, part of Exact Sciences
Classification: Likely benign for RNASEH2B-related condition. Last evaluated: 2025-02-18. Review status: criteria provided, single submitter. Criteria: ACMG Guidelines, 2015. Collection method: clinical testing. Allele origin: germline.
Comment: This variant is classified as likely benign based on ACMG/AMP sequence variant interpretation guidelines (Richards et al. 2015 PMID: 25741868, with internal and published modifications).

Blueprint Genetics
Classification: Likely benign. Last evaluated: 2024-11-14. Review status: criteria provided, single submitter. Criteria: ACMG Guidelines, 2015. Collection method: clinical testing. Allele origin: germline.

Department of Pathology and Laboratory Medicine, Sinai Health System
Classification: Uncertain significance for Aicardi-Goutieres syndrome 2. Last evaluated: 2021-10-08. Review status: criteria provided, single submitter. Criteria: ACMG Guidelines, 2015. Collection method: research. Allele origin: germline.

Athena Diagnostics
Classification: Benign. Last evaluated: 2018-06-13. Review status: criteria provided, single submitter. Criteria: Athena Diagnostics Criteria. Collection method: clinical testing. Allele origin: germline.

Illumina Laboratory Services, Illumina
Classification: Uncertain significance for Aicardi-Goutieres syndrome 2. Last evaluated: 2018-01-13. Review status: criteria provided, single submitter. Criteria: ICSL Variant Classification Criteria 13 December 2019. Collection method: clinical testing. Allele origin: germline.

CeGaT Center for Human Genetics Tuebingen
Classification: Uncertain significance. Last evaluated: 2016-09-01. Review status: criteria provided, single submitter. Criteria: CeGaT Center For Human Genetics Tuebingen Variant Classification Criteria Version 2. Collection method: clinical testing. Allele origin: germline. Affected: yes. Observed: 1 variant allele.

Clinical Genetics DNA and cytogenetics Diagnostics Lab, Erasmus MC, Erasmus Medical Center
Classification: Likely benign. Review status: no assertion criteria provided. Collection method: clinical testing. Allele origin: germline. Affected: yes. Study: VKGL Data-share Consensus. Not counted in ClinVar's aggregate classification.

Diagnostic Laboratory, Department of Genetics, University Medical Center Groningen
Classification: Likely benign for Aicardi-Goutieres syndrome 2. Review status: no assertion criteria provided. Collection method: clinical testing. Allele origin: germline. Affected: yes. Study: VKGL Data-share Consensus. Not counted in ClinVar's aggregate classification.

Genome Diagnostics Laboratory, University Medical Center Utrecht
Classification: Likely benign. Review status: no assertion criteria provided. Collection method: clinical testing. Allele origin: germline. Affected: yes. Study: VKGL Data-share Consensus. Not counted in ClinVar's aggregate classification.

Literature cited by the submitters: PubMed 25500883 (cited by Mayo Clinic Laboratories, Mayo Clinic and Athena Diagnostics).